The following is an entry in ClinVar:

ClinVar aggregate classification (germline): Uncertain significance. Review status: criteria provided, multiple submitters, no conflicts (2 of 4 stars). 4 submissions from 4 submitters: Uncertain significance (4). Last evaluated 2026-06-26.

Conditions:
Juvenile polyposis syndrome (JPS). Identifiers: Orphanet 2929, MedGen C0345893, MONDO:0017380, OMIM 174900.
Hereditary cancer-predisposing syndrome. Also called: Neoplastic Syndromes, Hereditary; Tumor predisposition; Hereditary Cancer Syndrome; Hereditary neoplastic syndrome. Identifiers: Orphanet 140162, MedGen C0027672, MeSH D009386, MONDO:0015356.

Submissions (4):

Ambry Genetics
Classification: Uncertain significance for Hereditary cancer-predisposing syndrome. Last evaluated: 2026-06-26. Review status: criteria provided, single submitter. Criteria: Ambry Variant Classification Scheme 2023. Collection method: clinical testing. Allele origin: germline.
Comment: The p.S375N variant (also known as c.1124G>A), located in coding exon 8 of the BMPR1A gene, results from a G to A substitution at nucleotide position 1124. The serine at codon 375 is replaced by asparagine, an amino acid with highly similar properties. This amino acid position is not well conserved in available vertebrate species. In addition, this alteration is predicted to be tolerated by in silico analysis. Based on the available evidence, the clinical significance of this variant remains unclear.

Labcorp Genetics (formerly Invitae), Labcorp
Classification: Uncertain significance for Juvenile polyposis syndrome. Last evaluated: 2025-06-11. Review status: criteria provided, single submitter. Criteria: Invitae Variant Classification Sherloc (09022015). Collection method: clinical testing. Allele origin: germline.
Comment: This sequence change replaces serine, which is neutral and polar, with asparagine, which is neutral and polar, at codon 375 of the BMPR1A protein (p.Ser375Asn). This variant is not present in population databases (gnomAD no frequency). This variant has not been reported in the literature in individuals affected with BMPR1A-related conditions. ClinVar contains an entry for this variant (Variation ID: 1171267). Invitae Evidence Modeling of protein sequence and biophysical properties (such as structural, functional, and spatial information, amino acid conservation, physicochemical variation, residue mobility, and thermodynamic stability) indicates that this missense variant is not expected to disrupt BMPR1A protein function with a negative predictive value of 80%. In summary, the available evidence is currently insufficient to determine the role of this variant in disease. Therefore, it has been classified as a Variant of Uncertain Significance.

Color Diagnostics, LLC DBA Color Health
Classification: Uncertain significance for Hereditary cancer-predisposing syndrome. Last evaluated: 2024-03-06. Review status: criteria provided, single submitter. Criteria: ACMG Guidelines, 2015. Collection method: clinical testing. Allele origin: germline.
Comment: This missense variant replaces serine with asparagine at codon 375 of the BMPR1A protein. Computational prediction suggests that this variant may not impact protein structure and function (internally defined REVEL score threshold <= 0.5, PMID: 27666373). To our knowledge, functional studies have not been reported for this variant. This variant has not been reported in individuals affected with BMPR1A-related disorders in the literature. This variant has not been identified in the general population by the Genome Aggregation Database (gnomAD). The available evidence is insufficient to determine the role of this variant in disease conclusively. Therefore, this variant is classified as a Variant of Uncertain Significance.

GeneDx
Classification: Uncertain significance. Last evaluated: 2019-05-01. Review status: criteria provided, single submitter. Criteria: GeneDx Variant Classification Process June 2021. Collection method: clinical testing. Allele origin: germline. Affected: yes.
Comment: Not observed in large population cohorts (Lek et al., 2016)

NM_004329.3(BMPR1A):c.1124G>A (p.Ser375Asn)

Gene: BMPR1A (bone morphogenetic protein receptor type 1A; plus strand). Cytogenetic location: 10q23.2.
Variant type: single nucleotide variant.
Coding change: c.1124G>A on transcript NM_004329.3 (MANE Select); coding-DNA position 1124, G replaced by A.
Protein change: p.Ser375Asn; replaces serine 375 with asparagine.
Molecular consequence: missense variant.
Genome position (GRCh38, 1-based): chr10:86,919,427, G>A. VCF-style: chr10-86919427-G-A. GRCh37 (hg19) VCF-style: chr10-88679184-G-A.
Other names: short protein forms S375N.
Identifiers: ClinVar variation 1171267 (VCV001171267.10), dbSNP rs2133593667, ClinGen allele CA377460967.
Genomic context (GRCh38, chr10:86,919,427, plus strand): 5'-AGCCCGCAATTGCTCATCGAGACCTAAAGAGCAAAAACATCCTCATCAAGAAAAATGGGA[G>A]TTGCTGCATTGCTGACCTGGGCCTTGCTGTTAAATTCAACAGGTGAGTGGTTCTTTGCCC-3'
Protein context (NP_004320.2, residues 365-385): SKNILIKKNG[Ser375Asn]CCIADLGLAV